The following is an entry in ClinVar:

NM_001371623.1(TCOF1):c.1474A>G (p.Met492Val)

Gene: TCOF1 (treacle ribosome biogenesis factor 1; plus strand). Cytogenetic location: 5q32.
Variant type: single nucleotide variant.
Coding change: c.1474A>G on transcript NM_001371623.1 (MANE Select); coding-DNA position 1474, A replaced by G.
Protein change: p.Met492Val; replaces methionine 492 with valine.
Molecular consequence: missense variant.
Genome position (GRCh38, 1-based): chr5:150,375,149, A>G. VCF-style: chr5-150375149-A-G. GRCh37 (hg19) VCF-style: chr5-149754712-A-G.
Other names: c.1243A>G, p.Met415Val (NM_000356.4, NM_001135245.2); c.1474A>G, p.Met492Val (NM_001008657.3, NM_001135243.2, NM_001135244.2 and 1 more transcripts); short protein forms M415V, M492V.
Identifiers: ClinVar variation 3367685 (VCV003367685.3).

ClinVar aggregate classification (germline): Uncertain significance. Review status: criteria provided, multiple submitters, no conflicts (2 of 4 stars). 2 submissions from 2 submitters: Uncertain significance (2). Last evaluated 2024-02-23.

Conditions:
Treacher Collins syndrome 1 (TCS1). Also called: TCOF1-Related Treacher Collins Syndrome. Identifiers: Orphanet 861, MedGen CN315775, MONDO:0007944, OMIM 154500.

gnomAD v4.1: 13 of 1,613,594 alleles (0.00081%); highest among the groups gnomAD compares: Non-Finnish European, 0.0011%; no homozygotes.

Submissions (2):

Labcorp Genetics (formerly Invitae), Labcorp
Classification: Uncertain significance for Treacher Collins syndrome 1. Last evaluated: 2024-02-23. Review status: criteria provided, single submitter. Criteria: Invitae Variant Classification Sherloc (09022015). Collection method: clinical testing. Allele origin: germline.
Comment: This sequence change replaces methionine, which is neutral and non-polar, with valine, which is neutral and non-polar, at codon 492 of the TCOF1 protein (p.Met492Val). This variant is present in population databases (rs760921650, gnomAD 0.01%). This variant has not been reported in the literature in individuals affected with TCOF1-related conditions. Advanced modeling of protein sequence and biophysical properties (such as structural, functional, and spatial information, amino acid conservation, physicochemical variation, residue mobility, and thermodynamic stability) performed at Invitae indicates that this missense variant is not expected to disrupt TCOF1 protein function with a negative predictive value of 80%. In summary, the available evidence is currently insufficient to determine the role of this variant in disease. Therefore, it has been classified as a Variant of Uncertain Significance.

GeneDx
Classification: Uncertain significance. Last evaluated: 2024-01-10. Review status: criteria provided, single submitter. Criteria: GeneDx Variant Classification Process June 2021. Collection method: clinical testing. Allele origin: germline. Affected: yes.
Comment: In silico analysis supports that this missense variant does not alter protein structure/function; Has not been previously published as pathogenic or benign to our knowledge